The following is an entry in ClinVar:

NM_001170700.3(DTHD1):c.1273T>G (p.Cys425Gly)

Gene: DTHD1 (death domain containing 1; plus strand). Cytogenetic location: 4p14.
Variant type: single nucleotide variant.
Coding change: c.1273T>G on transcript NM_001170700.3 (MANE Select); coding-DNA position 1273, T replaced by G.
Protein change: p.Cys425Gly; replaces cysteine 425 with glycine.
Molecular consequence: missense variant. On other transcripts: non-coding transcript variant (1), intron variant (1).
Genome position (GRCh38, 1-based): chr4:36,293,580, T>G. VCF-style: chr4-36293580-T-G. GRCh37 (hg19) VCF-style: chr4-36295202-T-G.
Other names: c.403T>G, p.Cys135Gly (NM_001136536.5); c.349-9T>G (NM_001378435.1); short protein forms C425G, C135G.
Identifiers: ClinVar variation 2143306 (VCV002143306.4), dbSNP rs2529726834, ClinGen allele CA356679436.

ClinVar aggregate classification (germline): Uncertain significance (1 of 4 stars; one submission).

Submission:

Labcorp Genetics (formerly Invitae), Labcorp
Classification: Uncertain significance. Last evaluated: 2022-11-22. Review status: criteria provided, single submitter. Criteria: Invitae Variant Classification Sherloc (09022015). Collection method: clinical testing. Allele origin: germline.
Comment: Algorithms developed to predict the effect of missense changes on protein structure and function (SIFT, PolyPhen-2, Align-GVGD) all suggest that this variant is likely to be disruptive. In summary, the available evidence is currently insufficient to determine the role of this variant in disease. Therefore, it has been classified as a Variant of Uncertain Significance. Algorithms developed to predict the effect of sequence changes on RNA splicing suggest that this variant may disrupt the consensus splice site. This variant has not been reported in the literature in individuals affected with DTHD1-related conditions. This variant is not present in population databases (gnomAD no frequency). This sequence change replaces cysteine, which is neutral and slightly polar, with glycine, which is neutral and non-polar, at codon 135 of the DTHD1 protein (p.Cys135Gly).